The following is an entry in ClinVar:

NM_003079.5(SMARCE1):c.1207C>G (p.Pro403Ala)

Gene: SMARCE1 (SWI/SNF related BAF chromatin remodeling complex subunit E1; minus strand). Cytogenetic location: 17q21.2.
Variant type: single nucleotide variant.
Coding change: c.1207C>G on transcript NM_003079.5 (MANE Select); coding-DNA position 1207, C replaced by G.
Protein change: p.Pro403Ala; replaces proline 403 with alanine.
Molecular consequence: missense variant.
Genome position (GRCh38, 1-based): chr17:40,628,814, G>C on the plus strand (C>G on the coding strand, the complement: SMARCE1 is on the minus strand). VCF-style: chr17-40628814-G-C. GRCh37 (hg19) VCF-style: chr17-38785066-G-C.
Other names: short protein forms P403A.
Identifiers: ClinVar variation 2564310 (VCV002564310.2), dbSNP rs2143980262, ClinGen allele CA399360821.

ClinVar aggregate classification (germline): Uncertain significance (1 of 4 stars; one submission).

Conditions:
Hereditary cancer-predisposing syndrome. Also called: Neoplastic Syndromes, Hereditary; Hereditary Cancer Syndrome; Hereditary neoplastic syndrome; Tumor predisposition. Identifiers: Orphanet 140162, MedGen C0027672, MeSH D009386, MONDO:0015356.

Submission:

Ambry Genetics
Classification: Uncertain significance for Hereditary cancer-predisposing syndrome. Last evaluated: 2023-03-28. Review status: criteria provided, single submitter. Criteria: Ambry Variant Classification Scheme 2023. Collection method: clinical testing. Allele origin: germline.
Comment: The p.P403A variant (also known as c.1207C>G), located in coding exon 10 of the SMARCE1 gene, results from a C to G substitution at nucleotide position 1207. The proline at codon 403 is replaced by alanine, an amino acid with highly similar properties. This amino acid position is well conserved in available vertebrate species. In addition, this alteration is predicted to be tolerated by in silico analysis. Missense and in-frame variants in SMARCE1 are known to cause neurodevelopmental disorders; however, such associations with increased risk of meningiomas are exceedingly rare (Kosho T et al. Am J Med Genet C Semin Med Genet. 2014 Sep;166C(3):262-75; Smith JM et al. Nat Genet. 2013 Mar;45(3):295-8). Based on the supporting evidence, the association of this alteration with Coffin-Siris syndrome is unknown; however, the association of this alteration with an increased risk of meningiomas is unlikely.